The following is an entry in ClinVar:

ClinVar aggregate classification (germline): Uncertain significance (1 of 4 stars; one submission).

Conditions:
GATB-related disorder. Also called: GATB-related condition.

Submission:

PreventionGenetics, part of Exact Sciences
Classification: Uncertain significance for GATB-related condition. Last evaluated: 2025-06-18. Review status: criteria provided, single submitter. Criteria: ACMG Guidelines, 2015. Collection method: clinical testing. Allele origin: germline.
Comment: The GATB c.1A>G variant is predicted to disrupt the translation initiation site (Start Loss). To our knowledge, this variant has not been reported in the literature. This variant is reported in 0.032% of alleles in individuals of European (Finnish) descent in gnomAD. At this time, the clinical significance of this variant is uncertain due to the absence of conclusive functional and genetic evidence.

NM_004564.3(GATB):c.1A>G (p.Met1Val)

Genes: GATB (glutamyl-tRNA amidotransferase subunit B; minus strand), LOC129993225 (ATAC-STARR-seq lymphoblastoid active region 22022; plus strand). Cytogenetic location: 4q31.3.
Variant type: single nucleotide variant.
Coding change: c.1A>G on transcript NM_004564.3 (MANE Select); coding-DNA position 1, A replaced by G.
Protein change: p.Met1Val; changes the start codon (methionine 1).
Molecular consequence: missense variant, initiator codon variant.
Genome position (GRCh38, 1-based): chr4:151,760,982, T>C on the plus strand (A>G on the coding strand, the complement: GATB is on the minus strand). VCF-style: chr4-151760982-T-C. GRCh37 (hg19) VCF-style: chr4-152682134-T-C.
Other names: c.1A>G, p.Met1Val (NM_001363341.2); short protein forms M1V.
Identifiers: ClinVar variation 4980140 (VCV004980140.1).
Genomic context (GRCh38, chr4:151,760,982, plus strand): 5'-CAACCCGGGCGAAAGCCCAACGTCTTCCACGGCAGCCCCAGCGCAGCATGGGCGCCGCCA[T>C]TGTAACTCCAGGGTCTTGGTCAGGTGACTCAGCCTCACTATGCCGCGAGGCTCCCTGGGA-3'
Protein context (NP_004555.1, residues 1-11): [Met1Val]AAPMLRWGCR